The following is an entry in ClinVar:

ClinVar aggregate classification (germline): Conflicting classifications of pathogenicity. Review status: criteria provided, conflicting classifications (1 of 4 stars). 3 submissions from 3 submitters: Uncertain significance (2); Likely benign (1). Last evaluated 2024-09-11.

Conditions:
Ataxia-telangiectasia syndrome (AT). Also called: ATAXIA-TELANGIECTASIA, COMPLEMENTATION GROUP A; ATAXIA-TELANGIECTASIA, FRESNO VARIANT; LOUIS-BAR SYNDROME; Ataxia telangiectasia (A-T); Cerebello-oculocutaneous telangiectasia; Immunodeficiency with ataxia telangiectasia. Identifiers: Orphanet 100, MedGen C0004135, MONDO:0008840, OMIM 208900.
Hereditary cancer-predisposing syndrome. Also called: Tumor predisposition; Neoplastic Syndromes, Hereditary; Hereditary Cancer Syndrome; Hereditary neoplastic syndrome. Identifiers: Orphanet 140162, MedGen C0027672, MeSH D009386, MONDO:0015356.

Allele frequency attached by ClinVar (database versions not stated): gnomAD exomes below 0.00001.
gnomAD v4.1: 1 of 1,613,846 alleles (0.000062%); highest among the groups gnomAD compares: Non-Finnish European, 0.000085%; no homozygotes.

Submissions (3):

Ambry Genetics
Classification: Likely benign for Hereditary cancer-predisposing syndrome. Last evaluated: 2024-09-11. Review status: criteria provided, single submitter. Criteria: Ambry Variant Classification Scheme 2023. Collection method: clinical testing. Allele origin: germline.

Labcorp Genetics (formerly Invitae), Labcorp
Classification: Uncertain significance for Ataxia-telangiectasia syndrome. Last evaluated: 2021-09-29. Review status: criteria provided, single submitter. Criteria: Invitae Variant Classification Sherloc (09022015). Collection method: clinical testing. Allele origin: germline.
Comment: This sequence change replaces aspartic acid with asparagine at codon 1705 of the ATM protein (p.Asp1705Asn). The aspartic acid residue is moderately conserved and there is a small physicochemical difference between aspartic acid and asparagine. This variant is not present in population databases (ExAC no frequency). This variant has not been reported in the literature in individuals affected with ATM-related conditions. ClinVar contains an entry for this variant (Variation ID: 628084). Advanced modeling of protein sequence and biophysical properties (such as structural, functional, and spatial information, amino acid conservation, physicochemical variation, residue mobility, and thermodynamic stability) performed at Invitae indicates that this missense variant is not expected to disrupt ATM protein function. In summary, the available evidence is currently insufficient to determine the role of this variant in disease. Therefore, it has been classified as a Variant of Uncertain Significance.

Color Diagnostics, LLC DBA Color Health
Classification: Uncertain significance for Hereditary cancer-predisposing syndrome. Last evaluated: 2018-09-29. Review status: criteria provided, single submitter. Criteria: ACMG Guidelines, 2015. Collection method: clinical testing. Allele origin: germline.

NM_000051.4(ATM):c.5113G>A (p.Asp1705Asn)

Gene: ATM (ATM serine/threonine kinase; plus strand). Cytogenetic location: 11q22.3.
Variant type: single nucleotide variant.
Coding change: c.5113G>A on transcript NM_000051.4 (MANE Select); coding-DNA position 5113, G replaced by A.
Protein change: p.Asp1705Asn; replaces aspartic acid 1705 with asparagine.
Molecular consequence: missense variant.
Genome position (GRCh38, 1-based): chr11:108,299,821, G>A. VCF-style: chr11-108299821-G-A. GRCh37 (hg19) VCF-style: chr11-108170548-G-A.
Other names: c.5113G>A, p.Asp1705Asn (NM_001351834.2); short protein forms D1705N.
Identifiers: ClinVar variation 628084 (VCV000628084.9), dbSNP rs1565474013, ClinGen allele CA382540803.